The following is an entry in ClinVar:

NM_025103.4(IFT74):c.941A>G (p.Asp314Gly)

Gene: IFT74 (intraflagellar transport 74; plus strand). Cytogenetic location: 9p21.2.
Variant type: single nucleotide variant.
Coding change: c.941A>G on transcript NM_025103.4 (MANE Select); coding-DNA position 941, A replaced by G.
Protein change: p.Asp314Gly; replaces aspartic acid 314 with glycine.
Molecular consequence: missense variant.
Genome position (GRCh38, 1-based): chr9:27,018,654, A>G. VCF-style: chr9-27018654-A-G. GRCh37 (hg19) VCF-style: chr9-27018652-A-G.
Other names: c.941A>G, p.Asp314Gly (NM_001099222.3, NM_001099223.3, NM_001099224.3 and 1 more transcripts); short protein forms D314G.
Identifiers: ClinVar variation 4998395 (VCV004998395.1).

ClinVar aggregate classification (germline): Uncertain significance (1 of 4 stars; one submission).

Conditions:
IFT74-related disorder. Also called: IFT74-related condition; IFT74-Related Disorders.

Submission:

PreventionGenetics, part of Exact Sciences
Classification: Uncertain significance for IFT74-related condition. Last evaluated: 2025-05-29. Review status: criteria provided, single submitter. Criteria: ACMG Guidelines, 2015. Collection method: clinical testing. Allele origin: germline.
Comment: The IFT74 c.941A>G variant is predicted to result in the amino acid substitution p.Asp314Gly. To our knowledge, this variant has not been reported in the literature or in a large population database (gnomAD), indicating this variant is rare. At this time, the clinical significance of this variant is uncertain due to the absence of conclusive functional and genetic evidence.